The following is an entry in ClinVar:

NM_004655.4(AXIN2):c.1532C>T (p.Thr511Met)

Gene: AXIN2 (axin 2; minus strand). Cytogenetic location: 17q24.1.
Variant type: single nucleotide variant.
Coding change: c.1532C>T on transcript NM_004655.4 (MANE Select); coding-DNA position 1532, C replaced by T.
Protein change: p.Thr511Met; replaces threonine 511 with methionine.
Molecular consequence: missense variant.
Genome position (GRCh38, 1-based): chr17:65,537,504, G>A on the plus strand (C>T on the coding strand, the complement: AXIN2 is on the minus strand). VCF-style: chr17-65537504-G-A. GRCh37 (hg19) VCF-style: chr17-63533622-G-A.
Other names: c.1532C>T (LRG_296t1); c.1532C>T, p.Thr511Met (NM_001363813.1); short protein forms T511M.
Identifiers: ClinVar variation 324645 (VCV000324645.30), dbSNP rs200883019, ClinGen allele CA8718620.
Genomic context (GRCh38, chr17:65,537,504, plus strand): 5'-ATCTCCTCCTTGGTCTTGGGGACGGCATGGTGGTGGATGTAGTGGTGGTGGACATGCTTC[G>A]TCGTCTGCTTGGTCACAAAGCCTTTGCCCCCGAGGAGGGGGCAGGCGCCCGGCGAGGCGG-3'
Protein context (NP_004646.3, residues 501-521): GGKGFVTKQT[Thr511Met]KHVHHHYIHH

ClinVar aggregate classification (germline): Conflicting classifications of pathogenicity. Review status: criteria provided, conflicting classifications (1 of 4 stars). 7 submissions from 7 submitters: Uncertain significance (1); Benign (3); Likely benign (3). Last evaluated 2026-01-26.

Conditions:
Oligodontia-cancer predisposition syndrome. Also called: TOOTH AGENESIS-COLORECTAL CANCER SYNDROME. Identifiers: Orphanet 300576, MedGen C1837750, MONDO:0012075, OMIM 608615. Disease mechanism: loss of function.
Hereditary cancer-predisposing syndrome. Also called: Hereditary Cancer Syndrome; Neoplastic Syndromes, Hereditary; Hereditary neoplastic syndrome; Tumor predisposition. Identifiers: Orphanet 140162, MedGen C0027672, MeSH D009386, MONDO:0015356.

Allele frequency attached by ClinVar (database versions not stated): TOPMed 0.00006; ESP Exome Variant Server 0.00008; 1000 Genomes Project 30x 0.00047; 1000 Genomes Project 0.00060; ExAC 0.00098; gnomAD 0.00105 and 0.00109; gnomAD exomes 0.00124.
gnomAD v4.1: 918 of 1,613,776 alleles (0.057%); highest among the groups gnomAD compares: Non-Finnish European, 0.014%; 2 homozygotes.

Submissions (7):

Labcorp Genetics (formerly Invitae), Labcorp
Classification: Benign for Oligodontia-cancer predisposition syndrome. Last evaluated: 2026-01-26. Review status: criteria provided, single submitter. Criteria: Invitae Variant Classification Sherloc (09022015). Collection method: clinical testing. Allele origin: germline.

Center for Genomic Medicine, Rigshospitalet, Copenhagen University Hospital
Classification: Uncertain significance. Last evaluated: 2025-03-04. Review status: criteria provided, single submitter. Criteria: ACMG Guidelines, 2015. Collection method: clinical testing. Allele origin: germline.

Blueprint Genetics
Classification: Likely benign. Last evaluated: 2024-11-21. Review status: criteria provided, single submitter. Criteria: ACMG Guidelines, 2015. Collection method: clinical testing. Allele origin: germline.

Quest Diagnostics Nichols Institute San Juan Capistrano
Classification: Benign. Last evaluated: 2023-06-04. Review status: criteria provided, single submitter. Criteria: Quest Diagnostics criteria. Collection method: clinical testing. Allele origin: unknown.

GeneDx
Classification: Likely benign. Last evaluated: 2020-03-11. Review status: criteria provided, single submitter. Criteria: GeneDx Variant Classification Process June 2021. Collection method: clinical testing. Allele origin: germline. Affected: yes.
Comment: This variant is associated with the following publications: (PMID: 25759019, 23456260)

Ambry Genetics
Classification: Likely benign for Hereditary cancer-predisposing syndrome. Last evaluated: 2018-11-15. Review status: criteria provided, single submitter. Criteria: Ambry Variant Classification Scheme 2023. Collection method: clinical testing. Allele origin: germline.

Illumina Laboratory Services, Illumina
Classification: Benign for Oligodontia-cancer predisposition syndrome. Last evaluated: 2018-01-13. Review status: criteria provided, single submitter. Criteria: ICSL Variant Classification Criteria 13 December 2019. Collection method: clinical testing. Allele origin: germline.
Comment: This variant was observed in the ICSL laboratory as part of a predisposition screen in an ostensibly healthy population. It had not been previously curated by ICSL or reported in the Human Gene Mutation Database (HGMD: prior to June 1st, 2018), and was therefore a candidate for classification through an automated scoring system. Utilizing variant allele frequency, disease prevalence and penetrance estimates, and inheritance mode, an automated score was calculated to assess if this variant is too frequent to cause the disease. Based on the score and internal cut-off values, a variant classified as benign is not then subjected to further curation. The score for this variant resulted in a classification of benign for this disease.